The following is an entry in ClinVar:

NM_001378964.1(CDON):c.3395C>T (p.Pro1132Leu)

Gene: CDON (cell adhesion associated, oncogene regulated; minus strand). Cytogenetic location: 11q24.2.
Variant type: single nucleotide variant.
Coding change: c.3395C>T on transcript NM_001378964.1 (MANE Select); coding-DNA position 3395, C replaced by T.
Protein change: p.Pro1132Leu; replaces proline 1132 with leucine.
Molecular consequence: missense variant.
Genome position (GRCh38, 1-based): chr11:125,961,960, G>A on the plus strand (C>T on the coding strand, the complement: CDON is on the minus strand). VCF-style: chr11-125961960-G-A. GRCh37 (hg19) VCF-style: chr11-125831855-G-A.
Other names: c.3395C>T, p.Pro1132Leu (NM_001243597.3, NM_016952.6); short protein forms P1132L.
Identifiers: ClinVar variation 402206 (VCV000402206.46), dbSNP rs754025360, ClinGen allele CA6351410.

ClinVar aggregate classification (germline): Uncertain significance. Review status: criteria provided, multiple submitters, no conflicts (2 of 4 stars). 4 submissions from 4 submitters: Uncertain significance (3). 1 of the submissions does not count toward it. Last evaluated 2022-05-04.

Conditions:
Abnormal brain morphology. Also called: Abnormality of brain morphology. Identifiers: MedGen C4021085, HP:0012443.

Allele frequency attached by ClinVar (database versions not stated): TOPMed 0.00001; ExAC 0.00002.
gnomAD v4.1: 17 of 1,614,240 alleles (0.0011%); highest among the groups gnomAD compares: South Asian, 0.0044%; no homozygotes.

Submissions (4):

Mendelics
Classification: Uncertain significance. Last evaluated: 2022-05-04. Review status: criteria provided, single submitter. Criteria: Mendelics Assertion Criteria 2019. Collection method: clinical testing. Allele origin: germline.

GeneDx
Classification: Uncertain significance. Last evaluated: 2022-04-05. Review status: criteria provided, single submitter. Criteria: GeneDx Variant Classification Process June 2021. Collection method: clinical testing. Allele origin: germline. Affected: yes.
Comment: Reported in the apparent homozygous state in two siblings with microcephaly (Karaca et al., 2015); In silico analysis supports that this missense variant does not alter protein structure/function; This variant is associated with the following publications: (PMID: 26539891)

CeGaT Center for Human Genetics Tuebingen
Classification: Uncertain significance. Last evaluated: 2017-04-01. Review status: criteria provided, single submitter. Criteria: CeGaT Center For Human Genetics Tuebingen Variant Classification Criteria Version 2. Collection method: clinical testing. Allele origin: germline. Affected: yes. Observed: 1 variant allele.

Lupski Lab, Baylor-Hopkins CMG, Baylor College of Medicine
Classification: Likely pathogenic for Abnormal brain morphology. Review status: flagged submission. Criteria: Karaca et al. (Neuron 2015). Collection method: research. Allele origin: inherited. Inheritance: Autosomal recessive inheritance. Affected: yes. Not counted in ClinVar's aggregate classification.
ClinVar note: Reason: Outlier claim with insufficient supporting evidence